The following is an entry in ClinVar:

ClinVar aggregate classification (germline): Uncertain significance (1 of 4 stars; one submission).

Allele frequency attached by ClinVar (database versions not stated): gnomAD exomes below 0.00001; ExAC 0.00001; TOPMed 0.00001.
gnomAD v4.1: 5 of 1,613,646 alleles (0.00031%); highest among the groups gnomAD compares: South Asian, 0.0011%; no homozygotes.

Submission:

Labcorp Genetics (formerly Invitae), Labcorp
Classification: Uncertain significance. Last evaluated: 2024-10-24. Review status: criteria provided, single submitter. Criteria: Invitae Variant Classification Sherloc (09022015). Collection method: clinical testing. Allele origin: germline.
Comment: This sequence change replaces alanine, which is neutral and non-polar, with threonine, which is neutral and polar, at codon 146 of the COQ7 protein (p.Ala146Thr). This variant is present in population databases (rs763006055, gnomAD 0.009%). This variant has not been reported in the literature in individuals affected with COQ7-related conditions. ClinVar contains an entry for this variant (Variation ID: 1925901). An algorithm developed to predict the effect of missense changes on protein structure and function (PolyPhen-2) suggests that this variant¬†is likely to be tolerated. In summary, the available evidence is currently insufficient to determine the role of this variant in disease. Therefore, it has been classified as a Variant of Uncertain Significance.

NM_016138.5(COQ7):c.436G>A (p.Ala146Thr)

Gene: COQ7 (coenzyme Q7, hydroxylase; plus strand). Cytogenetic location: 16p12.3.
Variant type: single nucleotide variant.
Coding change: c.436G>A on transcript NM_016138.5 (MANE Select); coding-DNA position 436, G replaced by A.
Protein change: p.Ala146Thr; replaces alanine 146 with threonine.
Molecular consequence: missense variant. On other transcripts: non-coding transcript variant (3).
Genome position (GRCh38, 1-based): chr16:19,075,789, G>A. VCF-style: chr16-19075789-G-A. GRCh37 (hg19) VCF-style: chr16-19087111-G-A.
Other names: c.322G>A, p.Ala108Thr (NM_001190983.2, NM_001370492.1, NM_001370493.1 and 2 more transcripts); c.394G>A, p.Ala132Thr (NM_001370489.1, NM_001370491.1); c.436G>A, p.Ala146Thr (NM_001370490.1); short protein forms A146T, A132T, A108T.
Identifiers: ClinVar variation 1925901 (VCV001925901.3), dbSNP rs763006055, ClinGen allele CA7933023.
Genomic context (GRCh38, chr16:19,075,789, plus strand): 5'-ACCGCCTTGCTCGGGAAGGAAGGTGCCATGGCCTGCACCGTGGCGGTGGAAGAGAGCATA[G>A]CACATCACTACAACAACCAGATCAGGACGCTGATGGAGGAGGACCCTGAAAAATACGAGG-3'
Protein context (NP_057222.2, residues 136-156): ACTVAVEESI[Ala146Thr]HHYNNQIRTL